The following is an entry in ClinVar:

NM_004963.4(GUCY2C):c.2208A>G (p.Pro736=)

Gene: GUCY2C (guanylate cyclase 2C; minus strand). Cytogenetic location: 12p12.3.
Variant type: single nucleotide variant.
Coding change: c.2208A>G on transcript NM_004963.4 (MANE Select); coding-DNA position 2208, A replaced by G.
Protein change: p.Pro736=; no amino-acid change (proline 736 retained).
Molecular consequence: synonymous variant.
Genome position (GRCh38, 1-based): chr12:14,628,687, T>C on the plus strand (A>G on the coding strand, the complement: GUCY2C is on the minus strand). VCF-style: chr12-14628687-T-C. GRCh37 (hg19) VCF-style: chr12-14781621-T-C.
Identifiers: ClinVar variation 3778059 (VCV003778059.7).
Genomic context (GRCh38, chr12:14,628,687, plus strand): 5'-GTAAACATTTCAGCAATACCCAAATATCTTGGCAAGTGTAGTCTCAATTTTTTTGAAATC[T>C]GGTCTCTTTTCTGGATCTTCCTCCCAACAGTTTTTTACAAGTAGGTACACCTGGAAGAAA-3'
Protein context (NP_004954.2, residues 726-746): NCWEEDPEKR[Pro736=]DFKKIETTLA

ClinVar aggregate classification (germline): Likely benign (1 of 4 stars; one submission).

gnomAD v4.1: 4 of 1,602,280 alleles (0.00025%); highest among the groups gnomAD compares: Admixed American, 0.005%; no homozygotes.

Submission:

CeGaT Center for Human Genetics Tuebingen
Classification: Likely benign. Last evaluated: 2025-03-01. Review status: criteria provided, single submitter. Criteria: CeGaT Center For Human Genetics Tuebingen Variant Classification Criteria Version 2. Collection method: clinical testing. Allele origin: germline. Affected: yes. Observed: 1 variant allele.
Comment: GUCY2C: BP4, BP7